The following is an entry in ClinVar:

ClinVar aggregate classification (germline): Uncertain significance. Review status: criteria provided, multiple submitters, no conflicts (2 of 4 stars). 3 submissions from 3 submitters: Uncertain significance (3). Last evaluated 2025-03-30.

Conditions:
PKD1L1-related disorder. Also called: PKD1L1-related condition.
Inborn genetic diseases. Identifiers: MedGen C0950123, MeSH D030342.

gnomAD v4.1: 59 of 1,612,072 alleles (0.0037%); highest among the groups gnomAD compares: South Asian, 0.02%; no homozygotes.

Submissions (3):

PreventionGenetics, part of Exact Sciences
Classification: Uncertain significance for PKD1L1-related condition. Last evaluated: 2025-03-30. Review status: criteria provided, single submitter. Criteria: ACMG Guidelines, 2015. Collection method: clinical testing. Allele origin: germline.
Comment: The PKD1L1 c.6770G>A variant is predicted to result in the amino acid substitution p.Arg2257His. To our knowledge, this variant has not been reported in the literature. This variant is reported in 0.024% of alleles in individuals of African descent in gnomAD. At this time, the clinical significance of this variant is uncertain due to the absence of conclusive functional and genetic evidence.

Ambry Genetics
Classification: Uncertain significance for Inborn genetic diseases. Last evaluated: 2025-03-06. Review status: criteria provided, single submitter. Criteria: Ambry Variant Classification Scheme 2023. Collection method: clinical testing. Allele origin: germline.

Blueprint Genetics
Classification: Uncertain significance. Last evaluated: 2024-07-29. Review status: criteria provided, single submitter. Criteria: ACMG Guidelines, 2015. Collection method: clinical testing. Allele origin: germline.

NM_138295.5(PKD1L1):c.6770G>A (p.Arg2257His)

Gene: PKD1L1 (polycystin 1 like 1, transient receptor potential channel interacting; minus strand). Cytogenetic location: 7p12.3.
Variant type: single nucleotide variant.
Coding change: c.6770G>A on transcript NM_138295.5 (MANE Select); coding-DNA position 6770, G replaced by A.
Protein change: p.Arg2257His; replaces arginine 2257 with histidine.
Molecular consequence: missense variant.
Genome position (GRCh38, 1-based): chr7:47,827,434, C>T on the plus strand (G>A on the coding strand, the complement: PKD1L1 is on the minus strand). VCF-style: chr7-47827434-C-T. GRCh37 (hg19) VCF-style: chr7-47867032-C-T.
Other names: short protein forms R2257H.
Identifiers: ClinVar variation 3889337 (VCV003889337.3).